The following is an entry in ClinVar:

NM_000059.4(BRCA2):c.1960G>A (p.Glu654Lys)

Gene: BRCA2 (BRCA2 DNA repair associated; plus strand). Cytogenetic location: 13q13.1.
Variant type: single nucleotide variant.
Coding change: c.1960G>A on transcript NM_000059.4 (MANE Select); coding-DNA position 1960, G replaced by A.
Protein change: p.Glu654Lys; replaces glutamic acid 654 with lysine.
Molecular consequence: missense variant.
Genome position (GRCh38, 1-based): chr13:32,336,315, G>A. VCF-style: chr13-32336315-G-A. GRCh37 (hg19) VCF-style: chr13-32910452-G-A.
Other names: short protein forms E654K.
Identifiers: ClinVar variation 1064165 (VCV001064165.11), dbSNP rs786203845, ClinGen allele CA387768480.
Genomic context (GRCh38, chr13:32,336,315, plus strand): 5'-TTATGTTTAGGTTTATTGCATTCTTCTGTGAAAAGAAGCTGTTCACAGAATGATTCTGAA[G>A]AACCAACTTTGTCCTTAACTAGCTCTTTTGGGACAATTCTGAGGAAATGTTCTAGAAATG-3'
Protein context (NP_000050.3, residues 644-664): KRSCSQNDSE[Glu654Lys]PTLSLTSSFG

ClinVar aggregate classification (germline): Conflicting classifications of pathogenicity. Review status: criteria provided, conflicting classifications (1 of 4 stars). 4 submissions from 4 submitters: Uncertain significance (3); Likely benign (1). Last evaluated 2025-05-13.

Conditions:
Breast and/or ovarian cancer. Identifiers: MedGen CN221562.
Hereditary cancer-predisposing syndrome. Also called: Hereditary Cancer Syndrome; Hereditary neoplastic syndrome; Neoplastic Syndromes, Hereditary; Tumor predisposition. Identifiers: Orphanet 140162, MedGen C0027672, MeSH D009386, MONDO:0015356.
Hereditary breast ovarian cancer syndrome. Also called: Hereditary breast and ovarian cancer syndrome (HBOC); Breast and ovarian cancer; Hereditary breast and/or ovarian cancer syndrome; BRCA1- and BRCA2-Associated Hereditary Breast and Ovarian Cancer; Hereditary breast and ovarian cancer syndrome; Hereditary breast and ovarian cancer. Identifiers: Orphanet 145, MedGen C0677776, MeSH D061325, MONDO:0003582. Disease mechanism: loss of function.

Allele frequency attached by ClinVar (database versions not stated): gnomAD exomes below 0.00001; TOPMed below 0.00001; gnomAD 0.00001.

Submissions (4):

Ambry Genetics
Classification: Uncertain significance for Hereditary cancer-predisposing syndrome. Last evaluated: 2025-05-13. Review status: criteria provided, single submitter. Criteria: Ambry Variant Classification Scheme 2023. Collection method: clinical testing. Allele origin: germline.
Comment: The p.E654K variant (also known as c.1960G>A), located in coding exon 10 of the BRCA2 gene, results from a G to A substitution at nucleotide position 1960. The glutamic acid at codon 654 is replaced by lysine, an amino acid with similar properties. This alteration was identified in an individual diagnosed with breast cancer (Jiang Y et al. Biomed Res Int, 2020 Aug;2020:6739823). This amino acid position is not well conserved in available vertebrate species. In addition, this alteration is predicted to be tolerated by in silico analysis. Based on the available evidence, the clinical significance of this variant remains unclear.

University of Washington Department of Laboratory Medicine, University of Washington
Classification: Likely benign for Hereditary cancer-predisposing syndrome. Last evaluated: 2023-03-23. Review status: criteria provided, single submitter. Criteria: Dines et al. (Genet Med. 2020). Collection method: curation. Allele origin: germline.
Comment: Missense variant in a coldspot region where missense variants are very unlikely to be pathogenic (PMID:31911673).

BRCA2 exon 11 coldspot. Reclassification based on statistical prior probability.

CHEO Genetics Diagnostic Laboratory, Children's Hospital of Eastern Ontario
Classification: Uncertain significance for Breast and/or ovarian cancer. Last evaluated: 2022-11-09. Review status: criteria provided, single submitter. Criteria: ACMG Guidelines, 2015. Collection method: clinical testing. Allele origin: germline.

Labcorp Genetics (formerly Invitae), Labcorp
Classification: Uncertain significance for Hereditary breast ovarian cancer syndrome. Last evaluated: 2021-08-30. Review status: criteria provided, single submitter. Criteria: Invitae Variant Classification Sherloc (09022015). Collection method: clinical testing. Allele origin: germline.
Comment: This sequence change replaces glutamic acid with lysine at codon 654 of the BRCA2 protein (p.Glu654Lys). The glutamic acid residue is weakly conserved and there is a small physicochemical difference between glutamic acid and lysine. This variant is not present in population databases (ExAC no frequency). This variant has not been reported in the literature in individuals affected with BRCA2-related conditions. Algorithms developed to predict the effect of missense changes on protein structure and function output the following: SIFT: "Tolerated"; PolyPhen-2: "Benign"; Align-GVGD: "Class C0". The lysine amino acid residue is found in multiple mammalian species, which suggests that this missense change does not adversely affect protein function. In summary, the available evidence is currently insufficient to determine the role of this variant in disease. Therefore, it has been classified as a Variant of Uncertain Significance.

Literature cited by the submitters: PubMed 28664449 (cited by Ambry Genetics); PubMed 32879886 (cited by Ambry Genetics).